The following is an entry in ClinVar:

ClinVar aggregate classification (germline): Pathogenic/Likely pathogenic. Review status: criteria provided, multiple submitters, no conflicts (2 of 4 stars). 2 submissions from 2 submitters: Pathogenic (1); Likely pathogenic (1). Last evaluated 2024-08-30.

Conditions:
Developmental and epileptic encephalopathy, 13 (DEE13). Also called: Early infantile epileptic encephalopathy 13; Developmental and Epileptic Encephalopathy (SCN8A-DEE); SCN8A-Related Epilepsy. Identifiers: Orphanet 442835, MedGen C3281191, MONDO:0013801, OMIM 614558.

Submissions (2):

GeneDx
Classification: Pathogenic. Last evaluated: 2024-08-30. Review status: criteria provided, single submitter. Criteria: GeneDx Variant Classification Process June 2021. Collection method: clinical testing. Allele origin: germline. Affected: yes.
Comment: Not observed at significant frequency in large population cohorts (gnomAD); In silico analysis supports that this missense variant has a deleterious effect on protein structure/function; This variant is associated with the following publications: (PMID: 26029160, 36939041)

Baylor Genetics
Classification: Likely pathogenic for Developmental and epileptic encephalopathy, 13. Last evaluated: 2019-03-03. Review status: criteria provided, single submitter. Criteria: ACMG Guidelines, 2015. Collection method: clinical testing. Allele origin: de novo. Affected: yes.
Comment: This variant was determined to be likely pathogenic according to ACMG Guidelines, 2015 [PMID:25741868].

NM_001330260.2(SCN8A):c.4409A>G (p.Gln1470Arg)

Gene: SCN8A (sodium voltage-gated channel alpha subunit 8; plus strand). Cytogenetic location: 12q13.13.
Variant type: single nucleotide variant.
Coding change: c.4409A>G on transcript NM_001330260.2 (MANE Select); coding-DNA position 4409, A replaced by G.
Protein change: p.Gln1470Arg; replaces glutamine 1470 with arginine.
Molecular consequence: missense variant.
Genome position (GRCh38, 1-based): chr12:51,789,408, A>G. VCF-style: chr12-51789408-A-G. GRCh37 (hg19) VCF-style: chr12-52183192-A-G.
Other names: c.4286A>G, p.Gln1429Arg (NM_001177984.3, NM_001369788.1); c.4409A>G, p.Gln1470Arg (NM_014191.4); short protein forms Q1429R, Q1470R.
Identifiers: ClinVar variation 1029253 (VCV001029253.2), dbSNP rs1555228771, ClinGen allele CA384908599.